The following is an entry in ClinVar:

NM_020964.3(EPG5):c.149C>T (p.Ser50Phe)

Gene: EPG5 (ectopic P-granules 5 autophagy tethering factor; minus strand). Cytogenetic location: 18q21.1.
Variant type: single nucleotide variant.
Coding change: c.149C>T on transcript NM_020964.3 (MANE Select); coding-DNA position 149, C replaced by T.
Protein change: p.Ser50Phe; replaces serine 50 with phenylalanine.
Molecular consequence: missense variant.
Genome position (GRCh38, 1-based): chr18:45,955,253, G>A on the plus strand (C>T on the coding strand, the complement: EPG5 is on the minus strand). VCF-style: chr18-45955253-G-A. GRCh37 (hg19) VCF-style: chr18-43535219-G-A.
Other names: c.149C>T, p.Ser50Phe (NM_001410858.1, NM_001410859.1); short protein forms S50F.
Identifiers: ClinVar variation 2222423 (VCV002222423.2), dbSNP rs755015686, ClinGen allele CA8950001.
Genomic context (GRCh38, chr18:45,955,253, plus strand): 5'-TCCTGGAGCTGGGAATCAGTTACCACCTTCAGATGGTCTCCTTTGAATTCACAGGCTAGA[G>A]AAGGGATTTCCTGCTCTCTGGAGGTTTTTGGAAGGGAGACTTCACTGGACTCTTCCCTCT-3'
Protein context (NP_066015.2, residues 40-60): PKTSREQEIP[Ser50Phe]LACEFKGDHL

ClinVar aggregate classification (germline): Uncertain significance (1 of 4 stars; one submission).

Conditions:
Inborn genetic diseases. Identifiers: MedGen C0950123, MeSH D030342.

Allele frequency attached by ClinVar (database versions not stated): gnomAD exomes below 0.00001; ExAC 0.00001; gnomAD 0.00004; TOPMed 0.00005.

Submission:

Ambry Genetics
Classification: Uncertain significance for Inborn genetic diseases. Last evaluated: 2020-12-08. Review status: criteria provided, single submitter. Criteria: Ambry Variant Classification Scheme 2023. Collection method: clinical testing. Allele origin: germline.
Comment: The c.149C>T (p.S50F) alteration is located in exon 2 (coding exon 2) of the EPG5 gene. This alteration results from a C to T substitution at nucleotide position 149, causing the serine (S) at amino acid position 50 to be replaced by a phenylalanine (F). The p.S50F alteration is predicted to be tolerated by in silico analysis. Based on insufficient or conflicting evidence, the clinical significance of this alteration remains unclear.